The following is an entry in ClinVar:

NM_014055.4(IFT81):c.1249A>T (p.Ile417Leu)

Gene: IFT81 (intraflagellar transport 81; plus strand). Cytogenetic location: 12q24.11.
Variant type: single nucleotide variant.
Coding change: c.1249A>T on transcript NM_014055.4 (MANE Select); coding-DNA position 1249, A replaced by T.
Protein change: p.Ile417Leu; replaces isoleucine 417 with leucine.
Molecular consequence: missense variant. On other transcripts: non-coding transcript variant (4).
Genome position (GRCh38, 1-based): chr12:110,180,482, A>T. VCF-style: chr12-110180482-A-T. GRCh37 (hg19) VCF-style: chr12-110618287-A-T.
Other names: c.1249A>T, p.Ile417Leu (NM_001143779.2); c.319A>T, p.Ile107Leu (NM_001347947.2, NM_001347948.2); short protein forms I417L, I107L.
Identifiers: ClinVar variation 1447295 (VCV001447295.5), dbSNP rs1217263833, ClinGen allele CA386916811.
Genomic context (GRCh38, chr12:110,180,482, plus strand): 5'-TTCAAACGATATGTCAATAAACTTCGAAGCAAGAGTACAGTTTTCAAAAAGAAGCATCAG[A>T]TAATAGCTGAACTTAAAGCTGAATTCGGTCTTTTGCAGAGGACTGAAGAACTTCTTAAGC-3'
Protein context (NP_054774.2, residues 407-427): KSTVFKKKHQ[Ile417Leu]IAELKAEFGL

ClinVar aggregate classification (germline): Uncertain significance (1 of 4 stars; one submission).

Allele frequency attached by ClinVar (database versions not stated): gnomAD exomes below 0.00001; gnomAD 0.00001.
gnomAD v4.1: 21 of 1,611,252 alleles (0.0013%); highest among the groups gnomAD compares: Non-Finnish European, 0.0018%; no homozygotes.

Submission:

Labcorp Genetics (formerly Invitae), Labcorp
Classification: Uncertain significance. Last evaluated: 2022-10-13. Review status: criteria provided, single submitter. Criteria: Invitae Variant Classification Sherloc (09022015). Collection method: clinical testing. Allele origin: germline.
Comment: This sequence change replaces isoleucine, which is neutral and non-polar, with leucine, which is neutral and non-polar, at codon 417 of the IFT81 protein (p.Ile417Leu). This variant is present in population databases (no rsID available, gnomAD 0.002%). This variant has not been reported in the literature in individuals affected with IFT81-related conditions. ClinVar contains an entry for this variant (Variation ID: 1447295). Advanced modeling of protein sequence and biophysical properties (such as structural, functional, and spatial information, amino acid conservation, physicochemical variation, residue mobility, and thermodynamic stability) performed at Invitae indicates that this missense variant is not expected to disrupt IFT81 protein function. In summary, the available evidence is currently insufficient to determine the role of this variant in disease. Therefore, it has been classified as a Variant of Uncertain Significance.